The following is an entry in ClinVar:

ClinVar aggregate classification (germline): Likely benign (0 of 4 stars; one submission).

Conditions:
SMARCA4-related disorder. Also called: SMARCA4-related condition.

Submission:

PreventionGenetics, part of Exact Sciences
Classification: Likely benign for SMARCA4-related condition. Last evaluated: 2023-08-12. Review status: no assertion criteria provided. Collection method: clinical testing. Allele origin: germline.
Comment: This variant is classified as likely benign based on ACMG/AMP sequence variant interpretation guidelines (Richards et al. 2015 PMID: 25741868, with internal and published modifications).

NM_003072.5(SMARCA4):c.906G>A (p.Leu302=)

Gene: SMARCA4 (SWI/SNF related BAF chromatin remodeling complex subunit ATPase 4; plus strand). Cytogenetic location: 19p13.2.
Variant type: single nucleotide variant.
Coding change: c.906G>A on transcript NM_003072.5 (MANE Select); coding-DNA position 906, G replaced by A.
Protein change: p.Leu302=; no amino-acid change (leucine 302 retained).
Molecular consequence: synonymous variant. On other transcripts: non-coding transcript variant (1).
Genome position (GRCh38, 1-based): chr19:10,987,712, G>A. VCF-style: chr19-10987712-G-A. GRCh37 (hg19) VCF-style: chr19-11098388-G-A.
Other names: c.906G>A, p.Leu302= (NM_001128844.3, NM_001128845.2, NM_001128846.2 and 6 more transcripts).
Identifiers: ClinVar variation 3045772 (VCV003045772.2), dbSNP rs2145815121, ClinGen allele CA505489596.